The following is an entry in ClinVar:

ClinVar aggregate classification (germline): Conflicting classifications of pathogenicity. Review status: criteria provided, conflicting classifications (1 of 4 stars). 2 submissions from 2 submitters: Uncertain significance (1); Likely benign (1). Last evaluated 2023-07-26.

Conditions:
Neurofibromatosis, type 1 (NF1). Also called: VON RECKLINGHAUSEN DISEASE; NEUROFIBROMATOSIS, TYPE I, SOMATIC; Peripheral type neurofibromatosis; Neurofibromatosis, type I. Identifiers: Orphanet 636, MedGen C0027831, MONDO:0018975, OMIM 162200. Disease mechanism: loss of function.
Cardiovascular phenotype. Identifiers: MedGen CN230736.
Hereditary cancer-predisposing syndrome. Also called: Hereditary Cancer Syndrome; Hereditary neoplastic syndrome; Tumor predisposition; Neoplastic Syndromes, Hereditary. Identifiers: Orphanet 140162, MedGen C0027672, MeSH D009386, MONDO:0015356.

Submissions (2):

Labcorp Genetics (formerly Invitae), Labcorp
Classification: Likely benign for Neurofibromatosis, type 1. Last evaluated: 2023-07-26. Review status: criteria provided, single submitter. Criteria: Invitae Variant Classification Sherloc (09022015). Collection method: clinical testing. Allele origin: germline.

Ambry Genetics
Classification: Uncertain significance for Cardiovascular phenotype; Hereditary cancer-predisposing syndrome. Last evaluated: 2019-05-24. Review status: criteria provided, single submitter. Criteria: Ambry Variant Classification Scheme 2023. Collection method: clinical testing. Allele origin: germline.
Comment: The c.7908-4T>G intronic variant results from a T to G substitution 4 nucleotides upstream from coding exon 54 in the NF1 gene. This nucleotide position is not well conserved in available vertebrate species. Using the BDGP and ESEfinder splice site prediction tools, this alteration is not predicted to have any significant effect on this splice acceptor site; however, direct evidence is unavailable. Since supporting evidence is limited at this time, the clinical significance of this alteration remains unclear.

NM_001042492.3(NF1):c.7971-4T>G

Gene: NF1 (neurofibromin 1; plus strand). Cytogenetic location: 17q11.2.
Variant type: single nucleotide variant.
Coding change: c.7971-4T>G on transcript NM_001042492.3 (MANE Select); 4 bases into the intron before coding-DNA position 7971, T replaced by G.
Molecular consequence: intron variant.
Genome position (GRCh38, 1-based): chr17:31,358,476, T>G. VCF-style: chr17-31358476-T-G. GRCh37 (hg19) VCF-style: chr17-29685494-T-G.
Other names: c.7908-4T>G (NM_000267.4).
Identifiers: ClinVar variation 457862 (VCV000457862.12), dbSNP rs1555536865, ClinGen allele CA658658607.